The following is an entry in ClinVar:

ClinVar aggregate classification (germline): Likely pathogenic (1 of 4 stars; one submission).

Submission:

GeneDx
Classification: Likely pathogenic. Last evaluated: 2026-05-26. Review status: criteria provided, single submitter. Criteria: GeneDx Variant Classification Process June 2021. Collection method: clinical testing. Allele origin: germline.
Comment: Not observed at significant frequency in large population cohorts (gnomAD); Missense variants in this gene are a common cause of disease and they are underrepresented in the general population; In silico analysis supports that this missense variant has a deleterious effect on protein structure/function; Has not been previously published as pathogenic or benign to our knowledge; This variant is associated with the following publications: (PMID: 24860126)

NM_178012.5(TUBB2B):c.224C>T (p.Ser75Leu)

Gene: TUBB2B (tubulin beta 2B class IIb; minus strand). Cytogenetic location: 6p25.2.
Variant type: single nucleotide variant.
Coding change: c.224C>T on transcript NM_178012.5 (MANE Select); coding-DNA position 224, C replaced by T.
Protein change: p.Ser75Leu; replaces serine 75 with leucine.
Molecular consequence: missense variant.
Genome position (GRCh38, 1-based): chr6:3,226,212, G>A on the plus strand (C>T on the coding strand, the complement: TUBB2B is on the minus strand). VCF-style: chr6-3226212-G-A. GRCh37 (hg19) VCF-style: chr6-3226446-G-A.
Other names: short protein forms S75L.
Identifiers: ClinVar variation 3900877 (VCV003900877.2).
Genomic context (GRCh38, chr6:3,226,212, plus strand): 5'-CACTCACCAAACACGAAATTGTCTGGTCTGAAGATCTGGCCGAATGGTCCAGACCTAACC[G>A]AATCCATCGTGCCTGGCTCCAGATCCACGAGGATGGCCCGAGGAACATATTTGTTACCTG-3'
Protein context (NP_821080.1, residues 65-85): LVDLEPGTMD[Ser75Leu]VRSGPFGQIF